The following is an entry in ClinVar:

ClinVar aggregate classification (germline): Conflicting classifications of pathogenicity. Review status: criteria provided, conflicting classifications (1 of 4 stars). 3 submissions from 3 submitters: Uncertain significance (1); Likely benign (1). 1 of the submissions does not count toward it. Last evaluated 2026-01-18.

Conditions:
DYSF-related disorder. Also called: DYSF-related condition; DYSF-related disorders.
Neuromuscular disease caused by qualitative or quantitative defects of dysferlin. Also called: Dysferlinopathy; Qualitative or quantitative defects of dysferlin. Identifiers: Orphanet 207073, MedGen C2931687, MONDO:0016145.

Allele frequency attached by ClinVar (database versions not stated): gnomAD 0.00011 and 0.00009; gnomAD exomes 0.00012; ExAC 0.00010; TOPMed 0.00003.

Submissions (3):

Labcorp Genetics (formerly Invitae), Labcorp
Classification: Likely benign for Neuromuscular disease caused by qualitative or quantitative defects of dysferlin. Last evaluated: 2026-01-18. Review status: criteria provided, single submitter. Criteria: Invitae Variant Classification Sherloc (09022015). Collection method: clinical testing. Allele origin: germline.

Illumina Laboratory Services, Illumina
Classification: Uncertain significance for Qualitative or quantitative defects of dysferlin. Last evaluated: 2018-01-12. Review status: criteria provided, single submitter. Criteria: ICSL Variant Classification Criteria 13 December 2019. Collection method: clinical testing. Allele origin: germline.

PreventionGenetics, part of Exact Sciences
Classification: Likely benign for DYSF-related condition. Last evaluated: 2022-11-28. Review status: no assertion criteria provided. Collection method: clinical testing. Allele origin: germline. Not counted in ClinVar's aggregate classification.
Comment: This variant is classified as likely benign based on ACMG/AMP sequence variant interpretation guidelines (Richards et al. 2015 PMID: 25741868, with internal and published modifications).

NM_001130987.2(DYSF):c.337C>T (p.Pro113Ser)

Gene: DYSF (dysferlin; plus strand). Cytogenetic location: 2p13.2.
Variant type: single nucleotide variant.
Coding change: c.337C>T on transcript NM_001130987.2 (MANE Select); coding-DNA position 337, C replaced by T.
Protein change: p.Pro113Ser; replaces proline 113 with serine.
Molecular consequence: missense variant.
Genome position (GRCh38, 1-based): chr2:71,503,311, C>T. VCF-style: chr2-71503311-C-T. GRCh37 (hg19) VCF-style: chr2-71730441-C-T.
Other names: c.337C>T, p.Pro113Ser (NM_001130455.2, NM_001130982.2, NM_001130983.2 and 3 more transcripts); c.334C>T, p.Pro112Ser (NM_001130976.2, NM_001130977.2, NM_001130978.2 and 4 more transcripts); short protein forms P112S, P113S.
Identifiers: ClinVar variation 896790 (VCV000896790.15), dbSNP rs753922932, ClinGen allele CA1705312.